The following is an entry in ClinVar:

ClinVar aggregate classification (germline): Pathogenic (1 of 4 stars; one submission).

Conditions:
Telangiectasia, hereditary hemorrhagic, type 2 (HHT2). Also called: ACVRL1-Related Hereditary Hemorrhagic Telangiectasia; Telangiectasia, hereditary hemorrhagic, type II. Identifiers: Orphanet 774, MedGen C1838163, MONDO:0010880, OMIM 600376. Disease mechanism: loss of function.

Submission:

Labcorp Genetics (formerly Invitae), Labcorp
Classification: Pathogenic for Telangiectasia, hereditary hemorrhagic, type 2. Last evaluated: 2024-03-28. Review status: criteria provided, single submitter. Criteria: Invitae Variant Classification Sherloc (09022015). Collection method: clinical testing. Allele origin: germline.
Comment: This sequence change replaces glutamic acid, which is acidic and polar, with lysine, which is basic and polar, at codon 224 of the ACVRL1 protein (p.Glu224Lys). This variant is not present in population databases (gnomAD no frequency). This missense change has been observed in individual(s) with hereditary hemorrhagic telangiectasia (PMID: 16705692; Invitae). Advanced modeling of protein sequence and biophysical properties (such as structural, functional, and spatial information, amino acid conservation, physicochemical variation, residue mobility, and thermodynamic stability) performed at Invitae indicates that this missense variant is expected to disrupt ACVRL1 protein function with a positive predictive value of 95%. Algorithms developed to predict the effect of sequence changes on RNA splicing suggest that this variant may create or strengthen a splice site. For these reasons, this variant has been classified as Pathogenic.

Literature cited by the submitters: PubMed 16705692.

NM_000020.3(ACVRL1):c.670G>A (p.Glu224Lys)

Gene: ACVRL1 (activin A receptor like type 1; plus strand). Cytogenetic location: 12q13.13.
Variant type: single nucleotide variant.
Coding change: c.670G>A on transcript NM_000020.3 (MANE Select); coding-DNA position 670, G replaced by A.
Protein change: p.Glu224Lys; replaces glutamic acid 224 with lysine.
Molecular consequence: missense variant.
Genome position (GRCh38, 1-based): chr12:51,914,483, G>A. VCF-style: chr12-51914483-G-A. GRCh37 (hg19) VCF-style: chr12-52308267-G-A.
Other names: c.670G>A, p.Glu224Lys (NM_001077401.2, NM_001406487.1, NM_001406488.1 and 1 more transcripts); c.358G>A, p.Glu120Lys (NM_001406490.1, NM_001406491.1, NM_001406492.1 and 2 more transcripts); c.106G>A, p.Glu36Lys (NM_001406495.1); short protein forms E36K, E224K, E120K.
Identifiers: ClinVar variation 2735870 (VCV002735870.3), dbSNP rs2540162613, ClinGen allele CA384900038.
Genomic context (GRCh38, chr12:51,914,483, plus strand): 5'-CCCCTCTGGCCATCAGGAAAAGGCCGCTATGGCGAAGTGTGGCGGGGCTTGTGGCACGGT[G>A]AGAGTGTGGCCGTCAAGATCTTCTCCTCGAGGGATGAACAGTCCTGGTTCCGGGAGACTG-3'
Protein context (NP_000011.2, residues 214-234): GEVWRGLWHG[Glu224Lys]SVAVKIFSSR